The following is an entry in ClinVar:

ClinVar aggregate classification (germline): Benign/Likely benign. Review status: criteria provided, multiple submitters, no conflicts (2 of 4 stars). 2 submissions from 2 submitters: Benign (1); Likely benign (1). Last evaluated 2026-01-28.

Conditions:
Early-infantile DEE. Also called: Early infantile epileptic encephalopathy with suppression bursts; Ohtahara syndrome; Early infantile epileptic encephalopathy. Identifiers: Orphanet 1934, MedGen C0393706, MONDO:0800491.

Allele frequency attached by ClinVar (database versions not stated): gnomAD exomes 0.00005 and 0.00016; ExAC 0.00023; gnomAD 0.00051 and 0.00056; ESP Exome Variant Server 0.00054; TOPMed 0.00077; 1000 Genomes Project 0.00080; 1000 Genomes Project 30x 0.00094.
gnomAD v4.1: 165 of 1,614,126 alleles (0.01%); highest among the groups gnomAD compares: African/African-American, 0.2%; no homozygotes.

Submissions (2):

Labcorp Genetics (formerly Invitae), Labcorp
Classification: Benign for Early-infantile DEE. Last evaluated: 2026-01-28. Review status: criteria provided, single submitter. Criteria: Invitae Variant Classification Sherloc (09022015). Collection method: clinical testing. Allele origin: germline.

GeneDx
Classification: Likely benign. Last evaluated: 2017-11-28. Review status: criteria provided, single submitter. Criteria: GeneDx Variant Classification (06012015). Collection method: clinical testing. Allele origin: germline. Affected: yes.
Comment: This variant is considered likely benign or benign based on one or more of the following criteria: it is a conservative change, it occurs at a poorly conserved position in the protein, it is predicted to be benign by multiple in silico algorithms, and/or has population frequency not consistent with disease.

NM_001130438.3(SPTAN1):c.786-17G>T

Gene: SPTAN1 (spectrin alpha, non-erythrocytic 1; plus strand). Cytogenetic location: 9q34.11.
Variant type: single nucleotide variant.
Coding change: c.786-17G>T on transcript NM_001130438.3 (MANE Select); 17 bases into the intron before coding-DNA position 786, G replaced by T.
Molecular consequence: intron variant.
Genome position (GRCh38, 1-based): chr9:128,577,112, G>T. VCF-style: chr9-128577112-G-T. GRCh37 (hg19) VCF-style: chr9-131339391-G-T.
Other names: c.786-17G>T (NM_001363759.2, NM_003127.4, NM_001363765.2 and 1 more transcripts).
Identifiers: ClinVar variation 506310 (VCV000506310.10), dbSNP rs367832791, ClinGen allele CA5264256.
Genomic context (GRCh38, chr9:128,577,112, plus strand): 5'-GGCCTTGGTCCCATGGGGTGTTCCTAGTTCTAGGGAGTCATCATTGCTGTGGATTAACTG[G>T]TGCCTTTGTTCTGTAGGGATGTGGATGAGACTATCAGTTGGATTAAGGAAAAGGAGCAGT-3'